The following is an entry in ClinVar:

ClinVar aggregate classification (germline): Uncertain significance (1 of 4 stars; one submission).

Allele frequency attached by ClinVar (database versions not stated): gnomAD exomes 0.00003.
gnomAD v4.1: 47 of 1,599,202 alleles (0.0029%); highest among the groups gnomAD compares: Non-Finnish European, 0.0039%; no homozygotes.

Submission:

Labcorp Genetics (formerly Invitae), Labcorp
Classification: Uncertain significance. Last evaluated: 2023-08-17. Review status: criteria provided, single submitter. Criteria: Invitae Variant Classification Sherloc (09022015). Collection method: clinical testing. Allele origin: germline.
Comment: This sequence change replaces leucine, which is neutral and non-polar, with histidine, which is basic and polar, at codon 387 of the PAX1 protein (p.Leu387His). This variant is present in population databases (no rsID available, gnomAD 0.003%). This variant has not been reported in the literature in individuals affected with PAX1-related conditions. ClinVar contains an entry for this variant (Variation ID: 1943162). Advanced modeling of protein sequence and biophysical properties (such as structural, functional, and spatial information, amino acid conservation, physicochemical variation, residue mobility, and thermodynamic stability) performed at Invitae indicates that this missense variant is not expected to disrupt PAX1 protein function. In summary, the available evidence is currently insufficient to determine the role of this variant in disease. Therefore, it has been classified as a Variant of Uncertain Significance.

NM_001257096.2(PAX1):c.1160T>A (p.Leu387His)

Gene: PAX1 (paired box 1; plus strand). Cytogenetic location: 20p11.22.
Variant type: single nucleotide variant.
Coding change: c.1160T>A on transcript NM_001257096.2 (MANE Select); coding-DNA position 1160, T replaced by A.
Protein change: p.Leu387His; replaces leucine 387 with histidine.
Molecular consequence: missense variant.
Genome position (GRCh38, 1-based): chr20:21,709,322, T>A. VCF-style: chr20-21709322-T-A. GRCh37 (hg19) VCF-style: chr20-21689960-T-A.
Other names: c.1160T>A, p.Leu387His (NM_006192.5); short protein forms L387H.
Identifiers: ClinVar variation 1943162 (VCV001943162.3), dbSNP rs1411423335, ClinGen allele CA408499488.